The following is an entry in ClinVar:

NM_001999.4(FBN2):c.1405C>T (p.Pro469Ser)

Gene: FBN2 (fibrillin 2; minus strand). Cytogenetic location: 5q23.3.
Variant type: single nucleotide variant.
Coding change: c.1405C>T on transcript NM_001999.4 (MANE Select); coding-DNA position 1405, C replaced by T.
Protein change: p.Pro469Ser; replaces proline 469 with serine.
Molecular consequence: missense variant.
Genome position (GRCh38, 1-based): chr5:128,393,195, G>A on the plus strand (C>T on the coding strand, the complement: FBN2 is on the minus strand). VCF-style: chr5-128393195-G-A. GRCh37 (hg19) VCF-style: chr5-127728888-G-A.
Other names: short protein forms P469S.
Identifiers: ClinVar variation 3513604 (VCV003513604.5).
Genomic context (GRCh38, chr5:128,393,195, plus strand): 5'-TTAGTCCAGTGATGATAGGTCCCTGTCCCCCGGCCCCCACACCGGCTCCCCCAACGCCAG[G>A]AGAAAAGCCATTGCCTCCAGGGATGGGGATGAAGCCTGTCCCTCCTGGGCCATAGCCATT-3'
Protein context (NP_001990.2, residues 459-479): IPIPGGNGFS[Pro469Ser]GVGGAGVGAG

ClinVar aggregate classification (germline): Conflicting classifications of pathogenicity. Review status: criteria provided, conflicting classifications (1 of 4 stars). 3 submissions from 3 submitters: Uncertain significance (2); Likely benign (1). Last evaluated 2024-12-12.

Conditions:
Congenital contractural arachnodactyly (CCA). Also called: BEALS SYNDROME; Beals-Hecht syndrome; Arthrogryposis, distal, type 9. Identifiers: Orphanet 115, MedGen C0220668, MONDO:0007363, OMIM 121050.
Familial thoracic aortic aneurysm and aortic dissection (TAAD). Also called: Thoracic aortic aneurysms and dissections. Identifiers: Orphanet 91387, MedGen C4707243, MONDO:0019625.

gnomAD v4.1: 1 of 1,614,160 alleles (0.000062%); highest among the groups gnomAD compares: Non-Finnish European, 0.000085%; no homozygotes.

Submissions (3):

Dasa
Classification: Uncertain significance. Last evaluated: 2024-12-12. Review status: criteria provided, single submitter. Criteria: DASA Assertion Criteria. Collection method: clinical testing. Allele origin: germline.
Comment: NM_001999.4(FBN2):c.1405C>T (p.Pro469Ser) is a missense variant that results in the substitution of proline with serine. This variant is rare in population databases. Computational prediction algorithms are consistent with a benign effect. The currently available literature and clinical evidence are not sufficient to establish a definitive association between this variant and the reported condition. Therefore, this variant is classified as a variant of uncertain significance.

Labcorp Genetics (formerly Invitae), Labcorp
Classification: Likely benign for Congenital contractural arachnodactyly. Last evaluated: 2024-12-07. Review status: criteria provided, single submitter. Criteria: Invitae Variant Classification Sherloc (09022015). Collection method: clinical testing. Allele origin: germline.

Ambry Genetics
Classification: Uncertain significance for Familial thoracic aortic aneurysm and aortic dissection. Last evaluated: 2024-07-03. Review status: criteria provided, single submitter. Criteria: Ambry Variant Classification Scheme 2023. Collection method: clinical testing. Allele origin: germline.
Comment: The p.P469S variant (also known as c.1405C>T), located in coding exon 10 of the FBN2 gene, results from a C to T substitution at nucleotide position 1405. The proline at codon 469 is replaced by serine, an amino acid with similar properties. This amino acid position is highly conserved in available vertebrate species. In addition, this alteration is predicted to be tolerated by in silico analysis. Based on the available evidence, the clinical significance of this variant remains unclear.